The following is an entry in ClinVar:

NM_007294.4(BRCA1):c.-19-361C>T

Gene: BRCA1 (BRCA1 DNA repair associated; minus strand). Cytogenetic location: 17q21.31.
Variant type: single nucleotide variant.
Coding change: c.-19-361C>T on transcript NM_007294.4 (MANE Select); 361 bases into the intron before 19 bases upstream of the start codon, C replaced by T.
Molecular consequence: intron variant.
Genome position (GRCh38, 1-based): chr17:43,124,476, G>A on the plus strand (C>T on the coding strand, the complement: BRCA1 is on the minus strand). VCF-style: chr17-43124476-G-A. GRCh37 (hg19) VCF-style: chr17-41276493-G-A.
Other names: IVS 1-361C>T; c.-106-361C>T (NM_007297.4); c.-19-361C>T (NM_007299.4, NM_007300.4).
Identifiers: ClinVar variation 209575 (VCV000209575.3), dbSNP rs141625477, ClinGen allele CA276544.
Genomic context (GRCh38, chr17:43,124,476, plus strand): 5'-TAGCTTTCTCCAATGTTTCTGGTTGTTTTCTTTTTCTTGCATAAAACCAAAATCAACAAC[G>A]ACCAAACCAACACCAATCAAGGCCTCCCCGCCCCTAACCTTTCCCAGTGACCTGCTCTCA-3'

ClinVar aggregate classification (germline): Benign. Review status: reviewed by expert panel (3 of 4 stars). 3 submissions from 3 submitters: Benign (1). 2 of the submissions do not count toward it. Last evaluated 2015-01-12.

Conditions:
Pancreatic cancer, susceptibility to, 4. Identifiers: Orphanet 1333, MedGen C3280442, MONDO:0013685, OMIM 614320.
Familial cancer of breast. Also called: BREAST CANCER, FAMILIAL; hereditary breast carcinoma; Hereditary breast cancer. Identifiers: Orphanet 227535, MedGen C0346153, MONDO:0016419, OMIM 114480. Disease mechanism: loss of function.
Breast-ovarian cancer, familial, susceptibility to, 1 (BROVCA1). Also called: BRCA1 Hereditary Breast and Ovarian Cancer; OVARIAN CANCER, SUSCEPTIBILITY TO. Identifiers: Orphanet 145, MedGen C2676676, MONDO:0011450, OMIM 604370. Disease mechanism: loss of function.
Fanconi anemia, complementation group S (FANCS). Identifiers: MedGen C4554406, MONDO:0054748, OMIM 617883.
Hereditary cancer-predisposing syndrome. Also called: Tumor predisposition; Hereditary Cancer Syndrome; Neoplastic Syndromes, Hereditary; Hereditary neoplastic syndrome. Identifiers: Orphanet 140162, MedGen C0027672, MeSH D009386, MONDO:0015356.

Allele frequency attached by ClinVar (database versions not stated): gnomAD 0.00206 and 0.00217; TOPMed 0.00237; 1000 Genomes Project 0.00240; 1000 Genomes Project 30x 0.00265.
gnomAD v4.1: 307 of 152,044 alleles (0.2%); highest among the groups gnomAD compares: African/African-American, 0.71%; 1 homozygote.

Submissions (3):

Evidence-based Network for the Interpretation of Germline Mutant Alleles (ENIGMA)
Classification: Benign for Breast-ovarian cancer, familial 1. Last evaluated: 2015-01-12. Review status: reviewed by expert panel. Criteria: ENIGMA BRCA1/2 Classification Criteria (2015). Collection method: curation. Allele origin: germline.
Comment: Class 1 not pathogenic based on frequency >1% in an outbred sampleset. Frequency 0.0122 (African), derived from 1000 genomes (2012-04-30).

Fulgent Genetics
Classification: Likely benign for Familial cancer of breast; Breast-ovarian cancer, familial, susceptibility to, 1; Pancreatic cancer, susceptibility to, 4; Fanconi anemia, complementation group S. Last evaluated: 2021-11-24. Review status: criteria provided, single submitter. Criteria: ACMG Guidelines, 2015. Collection method: clinical testing. Allele origin: unknown. Not counted in ClinVar's aggregate classification.

Sema4
Classification: Benign for Hereditary cancer-predisposing syndrome. Last evaluated: 2021-03-25. Review status: criteria provided, single submitter. Criteria: Sema4 Curation Guidelines. Collection method: curation. Allele origin: germline. Not counted in ClinVar's aggregate classification.